The following is an entry in ClinVar:

ClinVar aggregate classification (germline): Uncertain significance. Review status: criteria provided, multiple submitters, no conflicts (2 of 4 stars). 3 submissions from 3 submitters: Uncertain significance (3). Last evaluated 2025-10-16.

Conditions:
Hereditary cancer-predisposing syndrome. Also called: Neoplastic Syndromes, Hereditary; Hereditary Cancer Syndrome; Hereditary neoplastic syndrome; Tumor predisposition. Identifiers: Orphanet 140162, MedGen C0027672, MeSH D009386, MONDO:0015356.

Allele frequency attached by ClinVar (database versions not stated): TOPMed below 0.00001.
gnomAD v4.1: 2 of 1,614,184 alleles (0.00012%); highest among the groups gnomAD compares: Middle Eastern, 0.017%; no homozygotes.

Submissions (3):

Ambry Genetics
Classification: Uncertain significance for Hereditary cancer-predisposing syndrome. Last evaluated: 2025-10-16. Review status: criteria provided, single submitter. Criteria: Ambry Variant Classification Scheme 2023. Collection method: clinical testing. Allele origin: germline.
Comment: The p.V104I variant (also known as c.310G>A), located in coding exon 2 of the MSH3 gene, results from a G to A substitution at nucleotide position 310. The valine at codon 104 is replaced by isoleucine, an amino acid with highly similar properties. This amino acid position is conserved. In addition, this alteration is predicted to be tolerated by in silico analysis. Since supporting evidence is limited at this time, the clinical significance of this alteration remains unclear.

Quest Diagnostics Nichols Institute San Juan Capistrano
Classification: Uncertain significance. Last evaluated: 2025-07-24. Review status: criteria provided, single submitter. Criteria: Quest Diagnostics criteria. Collection method: clinical testing. Allele origin: unknown.
Comment: The MSH3 c.310G>A (p.Val104Ile) variant has not been reported in individuals with MSH3-related conditions in the published literature. This variant has not been reported in large, multi-ethnic general populations (Genome Aggregation Database). Analysis of this variant using bioinformatics tools for the prediction of the effect of amino acid changes on protein structure and function yielded predictions that this variant is benign. Based on the available information, we are unable to determine the clinical significance of this variant.

Labcorp Genetics (formerly Invitae), Labcorp
Classification: Uncertain significance. Last evaluated: 2024-12-30. Review status: criteria provided, single submitter. Criteria: Invitae Variant Classification Sherloc (09022015). Collection method: clinical testing. Allele origin: germline.
Comment: This sequence change replaces valine, which is neutral and non-polar, with isoleucine, which is neutral and non-polar, at codon 104 of the MSH3 protein (p.Val104Ile). This variant is not present in population databases (gnomAD no frequency). This variant has not been reported in the literature in individuals affected with MSH3-related conditions. ClinVar contains an entry for this variant (Variation ID: 1060315). An algorithm developed to predict the effect of missense changes on protein structure and function (PolyPhen-2) suggests that this variant is likely to be tolerated. In summary, the available evidence is currently insufficient to determine the role of this variant in disease. Therefore, it has been classified as a Variant of Uncertain Significance.

NM_002439.5(MSH3):c.310G>A (p.Val104Ile)

Gene: MSH3 (mutS homolog 3; plus strand). Cytogenetic location: 5q14.1.
Variant type: single nucleotide variant.
Coding change: c.310G>A on transcript NM_002439.5 (MANE Select); coding-DNA position 310, G replaced by A.
Protein change: p.Val104Ile; replaces valine 104 with isoleucine.
Molecular consequence: missense variant.
Genome position (GRCh38, 1-based): chr5:80,656,483, G>A. VCF-style: chr5-80656483-G-A. GRCh37 (hg19) VCF-style: chr5-79952302-G-A.
Other names: c.310G>A (NM_002439.4, NM_002439.3); short protein forms V104I.
Identifiers: ClinVar variation 1060315 (VCV001060315.10), dbSNP rs1749289816, ClinGen allele CA360266366.